The following is an entry in ClinVar:

ClinVar aggregate classification (germline): Benign/Likely benign. Review status: criteria provided, multiple submitters, no conflicts (2 of 4 stars). 4 submissions from 4 submitters: Benign (1); Likely benign (2). 1 of the submissions does not count toward it. Last evaluated 2026-01-19.

Conditions:
ATP6V0A2-related disorder. Also called: ATP6V0A2-related condition.
ALG9 congenital disorder of glycosylation (CDG1L). Also called: CDG Il; ALG9-CDG; CONGENITAL DISORDER OF GLYCOSYLATION, TYPE Il. Identifiers: Orphanet 79328, MedGen C2931006, MONDO:0012117, OMIM 608776.

Allele frequency attached by ClinVar (database versions not stated): ESP Exome Variant Server 0.00015; gnomAD 0.00021 and 0.00027; TOPMed 0.00022; 1000 Genomes Project 30x 0.00031; 1000 Genomes Project 0.00040.
gnomAD v4.1: 332 of 1,614,132 alleles (0.021%); highest among the groups gnomAD compares: South Asian, 0.25%; 3 homozygotes.

Submissions (4):

Labcorp Genetics (formerly Invitae), Labcorp
Classification: Benign for ALG9 congenital disorder of glycosylation. Last evaluated: 2026-01-19. Review status: criteria provided, single submitter. Criteria: Invitae Variant Classification Sherloc (09022015). Collection method: clinical testing. Allele origin: germline.

Blueprint Genetics
Classification: Likely benign. Last evaluated: 2024-11-26. Review status: criteria provided, single submitter. Criteria: ACMG Guidelines, 2015. Collection method: clinical testing. Allele origin: germline.

GeneDx
Classification: Likely benign. Last evaluated: 2021-03-09. Review status: criteria provided, single submitter. Criteria: GeneDx Variant Classification Process June 2021. Collection method: clinical testing. Allele origin: germline. Affected: yes.

PreventionGenetics, part of Exact Sciences
Classification: Likely benign for ATP6V0A2-related condition. Last evaluated: 2019-11-04. Review status: no assertion criteria provided. Collection method: clinical testing. Allele origin: germline. Not counted in ClinVar's aggregate classification.
Comment: This variant is classified as likely benign based on ACMG/AMP sequence variant interpretation guidelines (Richards et al. 2015 PMID: 25741868, with internal and published modifications).

NM_012463.4(ATP6V0A2):c.1128C>T (p.Thr376=)

Gene: ATP6V0A2 (ATPase H+ transporting V0 subunit a2; plus strand). Cytogenetic location: 12q24.31.
Variant type: single nucleotide variant.
Coding change: c.1128C>T on transcript NM_012463.4 (MANE Select); coding-DNA position 1128, C replaced by T.
Protein change: p.Thr376=; no amino-acid change (threonine 376 retained).
Molecular consequence: synonymous variant.
Genome position (GRCh38, 1-based): chr12:123,743,874, C>T. VCF-style: chr12-123743874-C-T. GRCh37 (hg19) VCF-style: chr12-124228421-C-T.
Identifiers: ClinVar variation 680877 (VCV000680877.15), dbSNP rs138172178, ClinGen allele CA6861852.